The following is an entry in ClinVar:

NM_002432.3(MNDA):c.640G>C (p.Val214Leu)

Gene: MNDA (myeloid cell nuclear differentiation antigen; plus strand). Cytogenetic location: 1q23.1.
Variant type: single nucleotide variant.
Coding change: c.640G>C on transcript NM_002432.3 (MANE Select); coding-DNA position 640, G replaced by C.
Protein change: p.Val214Leu; replaces valine 214 with leucine.
Molecular consequence: missense variant.
Genome position (GRCh38, 1-based): chr1:158,845,656, G>C. VCF-style: chr1-158845656-G-C. GRCh37 (hg19) VCF-style: chr1-158815446-G-C.
Other names: short protein forms V214L.
Identifiers: ClinVar variation 3295450 (VCV003295450.1).
Genomic context (GRCh38, chr1:158,845,656, plus strand): 5'-ACCCAGGCCCAACGGCAGGTGGATGCAAGAAGAAATGTTCCCCAAAACGACCCAGTGACA[G>C]TGGTGGTACTGAAAGCAACAGCGCCATTTAAATACGAGTCCCCAGAAAATGGGAAAAGCA-3'
Protein context (NP_002423.1, residues 204-224): RNVPQNDPVT[Val214Leu]VVLKATAPFK

ClinVar aggregate classification (germline): Uncertain significance (1 of 4 stars; one submission).

Submission:

Ambry Genetics
Classification: Uncertain significance. Last evaluated: 2024-05-28. Review status: criteria provided, single submitter. Criteria: Ambry Variant Classification Scheme 2023. Collection method: clinical testing. Allele origin: germline.
Comment: The p.V214L variant (also known as c.640G>C), located in coding exon 4 of the MNDA gene, results from a G to C substitution at nucleotide position 640. The valine at codon 214 is replaced by leucine, an amino acid with highly similar properties. This amino acid position is conserved. In addition, this alteration is predicted to be tolerated by in silico analysis. Based on the available evidence, the clinical significance of this variant remains unclear.